The following is an entry in ClinVar:

ClinVar aggregate classification (germline): Uncertain significance (1 of 4 stars; one submission).

Conditions:
Charcot-Marie-Tooth disease axonal type 2C (HMSN2C). Also called: Charcot-Marie-Tooth Disease Type 2, TRPV4-Related (CMT2C); CHARCOT-MARIE-TOOTH DISEASE, AXONAL, AUTOSOMAL DOMINANT, TYPE 2C; Charcot-Marie-Tooth Neuropathy Type 2C. Identifiers: Orphanet 99937, MedGen C1853710, MONDO:0011633, OMIM 606071.

Submission:

Labcorp Genetics (formerly Invitae), Labcorp
Classification: Uncertain significance for Charcot-Marie-Tooth disease axonal type 2C. Last evaluated: 2025-03-17. Review status: criteria provided, single submitter. Criteria: Invitae Variant Classification Sherloc (09022015). Collection method: clinical testing. Allele origin: germline.
Comment: This sequence change replaces phenylalanine, which is neutral and non-polar, with cysteine, which is neutral and slightly polar, at codon 592 of the TRPV4 protein (p.Phe592Cys). This variant is not present in population databases (gnomAD no frequency). This variant has not been reported in the literature in individuals affected with TRPV4-related conditions. Invitae Evidence Modeling of protein sequence and biophysical properties (such as structural, functional, and spatial information, amino acid conservation, physicochemical variation, residue mobility, and thermodynamic stability) has been performed for this missense variant. However, the output from this modeling did not meet the statistical confidence thresholds required to predict the impact of this variant on TRPV4 protein function. In summary, the available evidence is currently insufficient to determine the role of this variant in disease. Therefore, it has been classified as a Variant of Uncertain Significance.

NM_021625.5(TRPV4):c.1775T>G (p.Phe592Cys)

Gene: TRPV4 (transient receptor potential cation channel subfamily V member 4; minus strand). Cytogenetic location: 12q24.11.
Variant type: single nucleotide variant.
Coding change: c.1775T>G on transcript NM_021625.5 (MANE Select); coding-DNA position 1775, T replaced by G.
Protein change: p.Phe592Cys; replaces phenylalanine 592 with cysteine.
Molecular consequence: missense variant.
Genome position (GRCh38, 1-based): chr12:109,792,701, A>C on the plus strand (T>G on the coding strand, the complement: TRPV4 is on the minus strand). VCF-style: chr12-109792701-A-C. GRCh37 (hg19) VCF-style: chr12-110230506-A-C.
Other names: c.1595T>G, p.Phe532Cys (NM_147204.3); c.1634T>G, p.Phe545Cys (NM_001177428.2); c.1673T>G, p.Phe558Cys (NM_001177431.2); c.1454T>G, p.Phe485Cys (NM_001177433.2); short protein forms F485C, F532C, F545C, F558C, F592C.
Identifiers: ClinVar variation 4803071 (VCV004803071.1).
Genomic context (GRCh38, chr12:109,792,701, plus strand): 5'-CCAGCCCGTACCTTCTGGATCATGATGCTATAGGTCCCCGTCAGCTTCAGCCCACGGGTG[A>C]AGTAAAGGGCATTCATCCAGCCCAGGACCAGGGCAAAGACCATCACGGCCAGGTAGGCCT-3'
Protein context (NP_067638.3, residues 582-602): LVLGWMNALY[Phe592Cys]TRGLKLTGTY